The following is an entry in ClinVar:

ClinVar aggregate classification (germline): Likely pathogenic (1 of 4 stars; one submission).

Conditions:
Autosomal recessive ataxia, Beauce type. Also called: Spinocerebellar ataxia, autosomal recessive 8; ATAXIA, RECESSIVE, OF BEAUCE; SYNE1-Related Autosomal Recessive Cerebellar Ataxia; SYNE1 Deficiency. Identifiers: Orphanet 88644, MedGen C1853116, MONDO:0012549, OMIM 610743.

Submission:

Centre for Mendelian Genomics, University Medical Centre Ljubljana
Classification: Likely pathogenic for Autosomal recessive ataxia, Beauce type. Last evaluated: 2018-11-21. Review status: criteria provided, single submitter. Criteria: ACMG Guidelines, 2015. Collection method: clinical testing. Allele origin: unknown. Affected: yes.
Comment: This variant was classified as: Likely pathogenic. The following ACMG criteria were applied in classifying this variant: PVS1,PM2.

NM_182961.4(SYNE1):c.12009dup (p.Gln4004fs)

Gene: SYNE1 (spectrin repeat containing nuclear envelope protein 1; minus strand). Cytogenetic location: 6q25.2.
Variant type: Duplication.
Coding change: c.12009dup on transcript NM_182961.4 (MANE Select); coding-DNA position 12009, one base duplicated (A; older notation c.12009dupA).
Protein change: p.Gln4004fs; shifts the reading frame from glutamine 4004.
Molecular consequence: frameshift variant.
Genome position (GRCh38, 1-based): chr6:152,347,128, T duplicated on the plus strand (A on the coding strand, the reverse complement: SYNE1 is on the minus strand); the first of 3 consecutive T bases (chr6:152,347,128-152,347,130); duplicating any one gives the same sequence. VCF-style (leftmost placement, unchanged base first): chr6-152347127-G-GT. GRCh37 (hg19) VCF-style: chr6-152668262-G-GT.
Other names: c.11796dup, p.Gln3933fs (NM_033071.5); short protein forms Q3933fs, Q4004fs.
Identifiers: ClinVar variation 930980 (VCV000930980.3), dbSNP rs2096651533, ClinGen allele CA1139659880.